The following is an entry in ClinVar:

NM_025114.4(CEP290):c.381_382delinsT (p.Lys127fs)

Gene: CEP290 (centrosomal protein 290; minus strand). Cytogenetic location: 12q21.32.
Variant type: Indel.
Coding change: c.381_382delinsT on transcript NM_025114.4 (MANE Select); coding-DNA positions 381 to 382, AG replaced by T.
Protein change: p.Lys127fs; shifts the reading frame from lysine 127.
Molecular consequence: frameshift variant.
Genome position (GRCh38, 1-based): chr12:88,136,702-88,136,703, CT replaced by A on the plus strand (AG replaced by T on the coding strand, the reverse complement: CEP290 is on the minus strand). VCF-style: chr12-88136702-CT-A. GRCh37 (hg19) VCF-style: chr12-88530479-CT-A.
Other names: c.381_382delAGinsT (NM_025114.3); short protein forms K127fs.
Identifiers: ClinVar variation 56737 (VCV000056737.2), dbSNP rs386834156, ClinGen allele CA144395.

ClinVar aggregate classification (germline): Likely pathogenic (0 of 4 stars; one submission).

Conditions:
Meckel syndrome, type 4 (MKS4). Also called: MECKEL-GRUBER SYNDROME, TYPE 4. Identifiers: Orphanet 564, MedGen C1970161, MONDO:0012626, OMIM 611134.

Submission:

Juha Muilu Group; Institute for Molecular Medicine Finland (FIMM)
Classification: Likely pathogenic for Meckel syndrome type 4. Review status: no assertion criteria provided. Collection method: not provided. Allele origin: unknown.
Comment: FinDis database variant: This variant was not found or characterized by our laboratory, data were collected from public sources: see reference
ClinVar note: Converted during submission from probable-pathogenic to Likely pathogenic.